The following is an entry in ClinVar:

NM_007103.4(NDUFV1):c.72G>C (p.Thr24=)

Gene: NDUFV1 (NADH:ubiquinone oxidoreductase core subunit V1; plus strand). Cytogenetic location: 11q13.2.
Variant type: single nucleotide variant.
Coding change: c.72G>C on transcript NM_007103.4 (MANE Select); coding-DNA position 72, G replaced by C.
Protein change: p.Thr24=; no amino-acid change (threonine 24 retained).
Molecular consequence: synonymous variant. On other transcripts: intron variant (1).
Genome position (GRCh38, 1-based): chr11:67,607,076, G>C. VCF-style: chr11-67607076-G-C. GRCh37 (hg19) VCF-style: chr11-67374547-G-C.
Other names: c.45+27G>C (NM_001166102.2).
Identifiers: ClinVar variation 3907544 (VCV003907544.1).
Genomic context (GRCh38, chr11:67,607,076, plus strand): 5'-ACGGCGGCTGCTCGGCTGGTCGCTTCCCGCGCGGGTATCTGTGCGTTTCAGCGGCGACAC[G>C]GTGAGGCCCAGCCTGGCTGGGGCCACGGGTGTTTGGGGCCGGGTGTCGCGGCCGCGCCCG-3'
Protein context (NP_009034.2, residues 14-34): ARVSVRFSGD[Thr24=]TAPKKTSFGS

ClinVar aggregate classification (germline): Uncertain significance (1 of 4 stars; one submission).

Submission:

Women's Health and Genetics/Laboratory Corporation of America, LabCorp
Classification: Uncertain significance. Last evaluated: 2025-06-25. Review status: criteria provided, single submitter. Criteria: LabCorp Variant Classification Summary - May 2015. Collection method: clinical testing. Allele origin: germline.
Comment: Variant summary: NDUFV1 c.72G>C (p.Thr24Thr) alters a conserved nucleotide located close to a canonical splice site and therefore could affect mRNA splicing, leading to a significantly altered protein sequence. Several computational tools predict a significant impact on normal splicing: One predict the variant abolishes a 5' splicing donor site. Three predict the variant weakens a 5' donor site. However, these predictions have yet to be confirmed by functional studies. The frequency data for this variant in gnomAD is considered unreliable, as metrics indicate poor data quality at this position. To our knowledge, no occurrence of c.72G>C in individuals affected with Leigh Syndrome and no experimental evidence demonstrating its impact on protein function have been reported. No submitters have cited clinical-significance assessments for this variant to ClinVar. Based on the evidence outlined above, the variant was classified as uncertain significance.